The following is an entry in ClinVar:

ClinVar aggregate classification (germline): Uncertain significance (1 of 4 stars; one submission).

Allele frequency attached by ClinVar (database versions not stated): gnomAD 0.00002; gnomAD exomes 0.00002; TOPMed 0.00002; ExAC 0.00003.
gnomAD v4.1: 37 of 1,613,736 alleles (0.0023%); highest among the groups gnomAD compares: Non-Finnish European, 0.0031%; no homozygotes.

Submission:

Labcorp Genetics (formerly Invitae), Labcorp
Classification: Uncertain significance. Last evaluated: 2022-07-26. Review status: criteria provided, single submitter. Criteria: Invitae Variant Classification Sherloc (09022015). Collection method: clinical testing. Allele origin: germline.
Comment: This sequence change replaces lysine, which is basic and polar, with asparagine, which is neutral and polar, at codon 330 of the PCLO protein (p.Lys330Asn). This variant is present in population databases (rs766557214, gnomAD 0.005%). This variant has not been reported in the literature in individuals affected with PCLO-related conditions. ClinVar contains an entry for this variant (Variation ID: 1386915). Algorithms developed to predict the effect of missense changes on protein structure and function are either unavailable or do not agree on the potential impact of this missense change (SIFT: "Deleterious"; PolyPhen-2: "Not Available"; Align-GVGD: "Class C0"). In summary, the available evidence is currently insufficient to determine the role of this variant in disease. Therefore, it has been classified as a Variant of Uncertain Significance.

NM_033026.6(PCLO):c.990G>T (p.Lys330Asn)

Gene: PCLO (piccolo presynaptic cytomatrix protein; minus strand). Cytogenetic location: 7q21.11.
Variant type: single nucleotide variant.
Coding change: c.990G>T on transcript NM_033026.6 (MANE Select); coding-DNA position 990, G replaced by T.
Protein change: p.Lys330Asn; replaces lysine 330 with asparagine.
Molecular consequence: missense variant.
Genome position (GRCh38, 1-based): chr7:83,155,651, C>A on the plus strand (G>T on the coding strand, the complement: PCLO is on the minus strand). VCF-style: chr7-83155651-C-A. GRCh37 (hg19) VCF-style: chr7-82784967-C-A.
Other names: c.990G>T, p.Lys330Asn (NM_014510.3); short protein forms K330N.
Identifiers: ClinVar variation 1386915 (VCV001386915.8), dbSNP rs766557214, ClinGen allele CA4321563.
Genomic context (GRCh38, chr7:83,155,651, plus strand): 5'-TTTCACTGTCCCTGGTTGTTGAGCCAATGGCTTTGTTAGCCCTGAGGGCTGAGCTGGGGG[C>A]TTTGCAGGCCCAGGCTGTGATTTTTCATGTCCAGGCTGCTGTGCTGGAGGTTTTCCAGGA-3'
Protein context (NP_149015.2, residues 320-340): GHEKSQPGPA[Lys330Asn]PPAQPSGLTK